The following is an entry in ClinVar:

ClinVar aggregate classification (germline): Uncertain significance. Review status: criteria provided, multiple submitters, no conflicts (2 of 4 stars). 3 submissions from 3 submitters: Uncertain significance (3). Last evaluated 2026-04-01.

Conditions:
Inborn genetic diseases. Identifiers: MedGen C0950123, MeSH D030342.

Allele frequency attached by ClinVar (database versions not stated): ExAC 0.00001; gnomAD 0.00001; ESP Exome Variant Server 0.00015.
gnomAD v4.1: 40 of 1,613,986 alleles (0.0025%); highest among the groups gnomAD compares: Non-Finnish European, 0.0031%; no homozygotes.

Submissions (3):

CeGaT Center for Human Genetics Tuebingen
Classification: Uncertain significance. Last evaluated: 2026-04-01. Review status: criteria provided, single submitter. Criteria: CeGaT Center For Human Genetics Tuebingen Variant Classification Criteria Version 2. Collection method: clinical testing. Allele origin: germline. Affected: yes. Observed: 1 variant allele.
Comment: POLR3A: PM2, BP4

Ambry Genetics
Classification: Uncertain significance for Inborn genetic diseases. Last evaluated: 2024-05-13. Review status: criteria provided, single submitter. Criteria: Ambry Variant Classification Scheme 2023. Collection method: clinical testing. Allele origin: germline.

Labcorp Genetics (formerly Invitae), Labcorp
Classification: Uncertain significance. Last evaluated: 2022-02-15. Review status: criteria provided, single submitter. Criteria: Invitae Variant Classification Sherloc (09022015). Collection method: clinical testing. Allele origin: germline.
Comment: In summary, the available evidence is currently insufficient to determine the role of this variant in disease. Therefore, it has been classified as a Variant of Uncertain Significance. Algorithms developed to predict the effect of missense changes on protein structure and function (SIFT, PolyPhen-2, Align-GVGD) all suggest that this variant is likely to be tolerated. This variant has not been reported in the literature in individuals affected with POLR3A-related conditions. This variant is present in population databases (rs370868154, gnomAD 0.003%). This sequence change replaces glutamic acid, which is acidic and polar, with aspartic acid, which is acidic and polar, at codon 1383 of the POLR3A protein (p.Glu1383Asp).

NM_007055.4(POLR3A):c.4149A>T (p.Glu1383Asp)

Gene: POLR3A (RNA polymerase III subunit A; minus strand). Cytogenetic location: 10q22.3.
Variant type: single nucleotide variant.
Coding change: c.4149A>T on transcript NM_007055.4 (MANE Select); coding-DNA position 4149, A replaced by T.
Protein change: p.Glu1383Asp; replaces glutamic acid 1383 with aspartic acid.
Molecular consequence: missense variant.
Genome position (GRCh38, 1-based): chr10:77,977,502, T>A on the plus strand (A>T on the coding strand, the complement: POLR3A is on the minus strand). VCF-style: chr10-77977502-T-A. GRCh37 (hg19) VCF-style: chr10-79737260-T-A.
Other names: c.4149A>T (NM_007055.3); short protein forms E1383D.
Identifiers: ClinVar variation 1367859 (VCV001367859.10), dbSNP rs370868154, ClinGen allele CA5570590.